The following is an entry in ClinVar:

NM_001371279.1(REEP1):c.417+211T>G

Gene: REEP1 (receptor accessory protein 1; minus strand). Cytogenetic location: 2p11.2.
Variant type: single nucleotide variant.
Coding change: c.417+211T>G on transcript NM_001371279.1 (MANE Select); 211 bases into the intron after coding-DNA position 417, T replaced by G.
Molecular consequence: intron variant.
Genome position (GRCh38, 1-based): chr2:86,251,746, A>C on the plus strand (T>G on the coding strand, the complement: REEP1 is on the minus strand). VCF-style: chr2-86251746-A-C. GRCh37 (hg19) VCF-style: chr2-86478869-A-C.
Other names: c.438+211T>G (NM_001164730.2); c.336+211T>G (NM_001164731.2); c.182+12219T>G (NM_001164732.2); c.417+211T>G (NM_001371280.1, NM_022912.3).
Identifiers: ClinVar variation 669113 (VCV000669113.2), dbSNP rs4832030, ClinGen allele CA11074746.

ClinVar aggregate classification (germline): Benign. Review status: criteria provided, multiple submitters, no conflicts (2 of 4 stars). 2 submissions from 2 submitters: Benign (2). Last evaluated 2018-06-14.

Allele frequency attached by ClinVar (database versions not stated): gnomAD 0.39572 and 0.40645; TOPMed 0.39672; 1000 Genomes Project 30x 0.42286; 1000 Genomes Project 0.43391; gnomAD exomes 0.49855.
gnomAD v4.1: 284,783 of 600,874 alleles (47%); highest among the groups gnomAD compares: East Asian, 69%; 71,744 homozygotes.

Submissions (2):

GeneDx
Classification: Benign. Last evaluated: 2018-06-14. Review status: criteria provided, single submitter. Criteria: GeneDx Variant Classification (06012015). Collection method: clinical testing. Allele origin: germline. Affected: yes.
Comment: This variant is considered likely benign or benign based on one or more of the following criteria: it is a conservative change, it occurs at a poorly conserved position in the protein, it is predicted to be benign by multiple in silico algorithms, and/or has population frequency not consistent with disease.

Breakthrough Genomics
Classification: Benign. Review status: criteria provided, single submitter. Criteria: ACMG Guidelines, 2015. Collection method: not provided. Allele origin: germline. Inheritance: Autosomal recessive inheritance. Affected: yes.